The following is an entry in ClinVar:

ClinVar aggregate classification (germline): Uncertain significance (1 of 4 stars; one submission).

Conditions:
ANK2-related disorder. Also called: ANK2-related condition.

Submission:

3billion
Classification: Uncertain significance for ANK2-related disorder. Last evaluated: 2026-01-26. Review status: criteria provided, single submitter. Criteria: ACMG Guidelines, 2015. Collection method: clinical testing. Allele origin: germline. Affected: yes.
Comment: The variant is not observed in the gnomAD v4.1.0 dataset. Predicted Consequence/Location: Frameshift variant Therefore, this variant is classified as VUS according to the recommendation of ACMG/AMP guideline.

NM_001148.6(ANK2):c.4126_4150del (p.Leu1376fs)

Gene: ANK2 (ankyrin 2; plus strand). Cytogenetic location: 4q26.
Variant type: Deletion.
Coding change: c.4126_4150del on transcript NM_001148.6 (MANE Select); coding-DNA positions 4126 to 4150, 25 bases deleted (TTAGAAGGAAAACCCATCTACGTTG).
Protein change: p.Leu1376fs; shifts the reading frame from leucine 1376.
Molecular consequence: frameshift variant.
Genome position (GRCh38, 1-based): chr4:113,343,020-113,343,044, TTAGAAGGAAAACCCATCTACGTTG deleted; deleting any 25 consecutive bases within chr4:113,343,018-113,343,044 gives the same sequence; the c. name uses the placement nearest the transcript's 3' end. VCF-style (leftmost placement, unchanged base first): chr4-113343017-GTGTTAGAAGGAAAACCCATCTACGT-G. GRCh37 (hg19) VCF-style: chr4-114264173-GTGTTAGAAGGAAAACCCATCTACGT-G.
Other names: c.4171_4195del, p.Leu1391fs (NM_001354240.2, NM_001354241.2, NM_001386144.1); c.4168_4192del, p.Leu1390fs (NM_001354242.2, NM_001354231.2); c.4063_4087del, p.Leu1355fs (NM_001354243.2, NM_001386143.1, NM_001354255.2); c.4060_4084del, p.Leu1354fs (NM_001354244.2, NM_001386161.1, NM_001354256.2); c.3964_3988del, p.Leu1322fs (NM_001354245.2, NM_001354262.2, NM_001354275.2); c.4123_4147del, p.Leu1375fs (NM_001354246.2, NM_001354235.2, NM_001354265.2); c.4099_4123del, p.Leu1367fs (NM_001127493.3); c.4138_4162del, p.Leu1380fs (NM_001354225.2); and 31 more; short protein forms L1215fs, L1248fs, L1276fs, L1281fs, L1289fs, L1301fs, L1305fs, L1309fs.
Identifiers: ClinVar variation 4854032 (VCV004854032.1).